The following is an entry in ClinVar:

ClinVar aggregate classification (germline): Uncertain significance. Review status: criteria provided, multiple submitters, no conflicts (2 of 4 stars). 2 submissions from 2 submitters: Uncertain significance (2). Last evaluated 2026-06-02.

Conditions:
Hereditary cancer-predisposing syndrome. Also called: Neoplastic Syndromes, Hereditary; Tumor predisposition; Hereditary Cancer Syndrome; Hereditary neoplastic syndrome. Identifiers: Orphanet 140162, MedGen C0027672, MeSH D009386, MONDO:0015356.

Submissions (2):

Ambry Genetics
Classification: Uncertain significance for Hereditary cancer-predisposing syndrome. Last evaluated: 2026-06-02. Review status: criteria provided, single submitter. Criteria: Ambry Variant Classification Scheme 2023. Collection method: clinical testing. Allele origin: germline.
Comment: The c.3378+3G>A intronic variant results from a G to A substitution 3 nucleotides after coding exon 27 in the POLE gene. This nucleotide position is not well conserved in available vertebrate species. In silico splice site analysis predicts that this alteration will not have any significant effect on splicing. Based on the available evidence, the clinical significance of this variant remains unclear.

Labcorp Genetics (formerly Invitae), Labcorp
Classification: Uncertain significance. Last evaluated: 2025-05-06. Review status: criteria provided, single submitter. Criteria: Invitae Variant Classification Sherloc (09022015). Collection method: clinical testing. Allele origin: germline.
Comment: This sequence change falls in intron 27 of the POLE gene. It does not directly change the encoded amino acid sequence of the POLE protein. It affects a nucleotide within the consensus splice site. This variant is not present in population databases (gnomAD no frequency). This variant has not been reported in the literature in individuals affected with POLE-related conditions. Variants that disrupt the consensus splice site are a relatively common cause of aberrant splicing (PMID: 17576681, 9536098). Algorithms developed to predict the effect of sequence changes on RNA splicing suggest that this variant is not likely to affect RNA splicing. In summary, the available evidence is currently insufficient to determine the role of this variant in disease. Therefore, it has been classified as a Variant of Uncertain Significance.

Literature cited by the submitters: PubMed 17576681 (cited by Labcorp Genetics (formerly Invitae), Labcorp); PubMed 9536098 (cited by Labcorp Genetics (formerly Invitae), Labcorp).

NM_006231.4(POLE):c.3378+3G>A

Gene: POLE (DNA polymerase epsilon, catalytic subunit; minus strand). Cytogenetic location: 12q24.33.
Variant type: single nucleotide variant.
Coding change: c.3378+3G>A on transcript NM_006231.4 (MANE Select); 3 bases into the intron after coding-DNA position 3378, G replaced by A.
Molecular consequence: intron variant.
Genome position (GRCh38, 1-based): chr12:132,657,865, C>T on the plus strand (G>A on the coding strand, the complement: POLE is on the minus strand). VCF-style: chr12-132657865-C-T. GRCh37 (hg19) VCF-style: chr12-133234451-C-T.
Other names: c.3378+3G>A (NM_006231.2).
Identifiers: ClinVar variation 4740006 (VCV004740006.2).